The following is an entry in ClinVar:

NM_002072.5(GNAQ):c.548G>A (p.Arg183Gln)

Gene: GNAQ (G protein subunit alpha q; minus strand). Cytogenetic location: 9q21.2.
Variant type: single nucleotide variant.
Coding change: c.548G>A on transcript NM_002072.5 (MANE Select); coding-DNA position 548, G replaced by A.
Protein change: p.Arg183Gln; replaces arginine 183 with glutamine.
Molecular consequence: missense variant.
Genome position (GRCh38, 1-based): chr9:77,797,577, C>T on the plus strand (G>A on the coding strand, the complement: GNAQ is on the minus strand). VCF-style: chr9-77797577-C-T. GRCh37 (hg19) VCF-style: chr9-80412493-C-T.
Other names: c.548G>A (NM_002072.4); short protein forms R183Q.
Identifiers: ClinVar variation 50853 (VCV000050853.14), dbSNP rs397514698, ClinGen allele CA143805.

ClinVar aggregate classification (germline): Pathogenic/Likely pathogenic. Review status: criteria provided, multiple submitters, no conflicts (2 of 4 stars). 12 submissions from 9 submitters: Pathogenic (8); Likely pathogenic (1). 3 of the submissions do not count toward it. Last evaluated 2024-12-27.
ClinVar aggregate classification (oncogenicity): Oncogenic (1 of 4 stars; one submission).

Conditions:
GNAQ-related disorder. Also called: GNAQ-related condition.
Melanoma. Identifiers: MedGen C0025202, MeSH D008545, MONDO:0005105, HP:0002861.
Angioosteohypertrophic syndrome (KTS). Also called: KTW SYNDROME; Klippel-Trenaunay Syndrome. Identifiers: Orphanet 90308, MedGen C0022739, MeSH D007715, MONDO:0007864, OMIM 149000.
Capillary malformation (CMC). Also called: Capillary malformations, congenital; CAPILLARY MALFORMATIONS. Identifiers: Orphanet 211247, MedGen C0340803, MONDO:0016231, HP:0025104.
Sturge-Weber syndrome (SWS). Also called: Encephalotrigeminal angiomatosis; Fourth phacomatosis; Meningeal capillary angiomatosis; Leptomeningeal angiomatosis; Encephalofacial angiomatosis; SWS type I - Facial and leptomeningeal angiomas. Identifiers: Orphanet 3205, MedGen C0038505, MONDO:0008501, OMIM 185300.
Familial multiple nevi flammei. Also called: PORT-WINE STAIN; CAPILLARY MALFORMATIONS, CONGENITAL, 1, SOMATIC, MOSAIC. Identifiers: Orphanet 624, MedGen C2931029, MONDO:0008094, OMIM 163000.
Segmental undergrowth associated with capillary malformation.
Hemangiomatosis. Identifiers: MedGen C1384590, HP:0007461.
Neoplasm. Also called: tumor; Neoplasms; Neoplasm (disease). Identifiers: MedGen C0027651, MeSH D009369, MONDO:0005070, HP:0002664.

Submissions (13):

Center for Genomic Medicine, Rigshospitalet, Copenhagen University Hospital
Classification: Oncogenic for Neoplasm. Last evaluated: 2025-03-04. Review status: criteria provided, single submitter. Criteria: ClinGen/CGC/VICC Guidelines for Oncogenicity, 2022. Collection method: clinical testing. Allele origin: somatic. Affected: yes.

Clinical Genomics Laboratory, Washington University in St. Louis
Classification: Pathogenic for Familial multiple nevi flammei. Last evaluated: 2024-12-27. Review status: criteria provided, single submitter. Criteria: Leon-Quintero et al. (Clin Genet. 2025). Collection method: clinical testing. Allele origin: somatic. Affected: yes.
Comment: A GNAQ c.548G>A (p.Arg183Gln) variant was identified at an allelic fraction consistent with somatic origin. This variant has been reported in multiple individuals affected with vascular tumors, Sturge-Weber syndrome, nonsyndromic port-wine stains, and phakomatosis pigmentovascularis with capillary malformation and hemihypertrophy (Shirley MD et al., PMID: 23656586; Nakashima M et al., PMID: 25374402; Frigerio A et al., PMID: 26192947; Thomas AC et al., PMID: 26778290; He R et al., PMID: 32613723; Langbroek GB et al., PMID: 38013159; McNulty SN et al., PMID: 31585106; Lian CG et al., PMID: 25188413). This variant has been reported in the ClinVar database as a pathogenic/likely pathogenic somatic variant by numerous submitters, including our laboratory (ClinVar Variation ID: 50853), and it has been reported in many cases in the cancer database COSMIC (ID: COSV54106047). This variant is absent from the general population (gnomAD v4.1.0), indicating it is not a common variant. This variant resides within the GTP-binding site of the G2 motif, which is defined as a critical functional domain (Nakashima M et al., PMID: 25374402). Computational predictors indicate that the GNAQ c.548G>A (p.Arg183Gln) variant is damaging, evidence that correlates with impact on GNAQ function. In support of this prediction, functional studies show that this variant increases activation of the mitogen-activated protein kinase (MAPK) pathway and increases angiopoietin-2 expression (Huang L et al., PMID: 34670408; Galeffi F, et al., PMID: 35635655; Shirley MD et al., PMID: 23656586).Based on available information and an internally developed protocol informed by the ACMG/AMP guidelines for variant interpretation and gene-specific practices from the ClinGen Criteria Specification Registry (Leon-Quintero FZ et al., PMID: 39434542), the GNAQ c.548G>A (p.Arg183Gln) variant is classified as pathogenic.

Greenwood Genetic Center Diagnostic Laboratories, Greenwood Genetic Center
Classification: Pathogenic for GNAQ-related disorder. Last evaluated: 2024-09-19. Review status: criteria provided, single submitter. Criteria: ACMG Guidelines, 2015. Collection method: clinical testing. Allele origin: germline. Affected: yes.
Comment: PS3_Moderate, PS4, PM1, PM2, PP3

Clinical Genomics Laboratory, Washington University in St. Louis
Classification: Pathogenic for Capillary malformation. Last evaluated: 2023-10-14. Review status: criteria provided, single submitter. Criteria: ACMG Guidelines, 2015. Collection method: clinical testing. Allele origin: somatic. Affected: yes.
Comment: A GNAQ c.548G>A (p.Arg183Gln) variant was identified at an allelic fraction consistent with somatic origin. This variant has been reported in multiple individuals affected with Sturge-Weber syndrome, nonsyndromic port-wine stains, and phakomatosis pigmentovascularis with capillary malformation and hemihypertrophy (Shirley MD et al., PMID: 23656586; Nakashima M et al., PMID: 25374402; Frigerio A et al., PMID: 26192947; Thomas AC et al., PMID: 26778290; He R et al., PMID: 32613723). This variant has been reported in the ClinVar database as a pathogenic/likely pathogenic variant by multiple submitters (ClinVar ID: 50853), and it has been reported in multiple cases in the cancer database COSMIC (Genomic ID: COSV54106047). This variant is absent from the general population (gnomAD v.3.1.2), indicating it is not a common variant. This variant resides within the GTP-binding site of the G2 motif, which is defined as a critical functional domain (Nakashima M et al., PMID: 25374402). Computational predictors indicate that the GNAQ c.548G>A (p.Arg183Gln) variant is damaging, evidence that correlates with impact on GNAQ function. In support of this prediction, functional studies show that this variant increases activation of the mitogen-activated protein kinase (MAPK) pathway and increases angiopoietin-2 expression (Shirley MD et al., PMID: 23656586; Huang L et al., PMID: 34670408). GNAQ is a gene that has a low rate of benign missense variation and where pathogenic missense variants are a common mechanism of disease. Based on an internally-developed protocol informed by the ACMG/AMP guidelines (Richards S et al., PMID: 25741868), the GNAQ c.548G>A (p.Arg183Gln) variant is classified as pathogenic.

Institute of Human Genetics, University of Leipzig Medical Center
Classification: Likely pathogenic for Familial multiple nevi flammei. Last evaluated: 2022-10-07. Review status: criteria provided, single submitter. Criteria: ACMG Guidelines, 2015. Collection method: clinical testing. Allele origin: unknown. Affected: yes.
Comment: _x000D_ Criteria applied: PS3, PS4_MOD, PM2_SUP, PP3

Seattle Children's Hospital Molecular Genetics Laboratory, Seattle Children's Hospital
Classification: Pathogenic. Last evaluated: 2021-08-01. Review status: criteria provided, single submitter. Criteria: ACMG Guidelines, 2015. Collection method: clinical testing. Allele origin: somatic. Affected: yes. Observed: 7 variant alleles. Clinical features observed: Capillary malformation (HP:0025104), Nevus flammeus (HP:0001052), Seizure (HP:0001250), Glaucoma (HP:0000501), Arteriovenous malformation (HP:0100026).
Comment: This variant is a recurrent pathogenic variant that accounts for ~90% of individuals with non-syndromic port-wine stains and Sturge-Weber syndrome (MIM: 185300), which, along with congenital capillary malformations (MIM: 163000), is included within GNAQ-related disorder (PMID: 25374402, PMID: 23656586).

Institute of Medical and Molecular Genetics, Hospital Universitario La Paz
Classification: Pathogenic for Segmental undergrowth associated with capillary malformation. Last evaluated: 2021-04-06. Review status: criteria provided, single submitter. Criteria: ACMG Guidelines, 2015. Collection method: clinical testing. Allele origin: somatic. Affected: yes. Observed: 1 variant allele.

Undiagnosed Diseases Network, NIH
Classification: Pathogenic for Sturge-Weber syndrome; Familial multiple nevi flammei. Last evaluated: 2016-07-19. Review status: criteria provided, single submitter. Criteria: ACMG Guidelines, 2015. Collection method: clinical testing. Allele origin: somatic. Affected: yes. Observed: 1 variant allele, 1 heterozygote, 1 mosaic individual. Study: Undiagnosed Diseases Network (NIH), UDN.
Comment: This variant has been described in multiple affected individuals with a mosaic etiology (PMID 26778290)

Equipe Genetique des Anomalies du Developpement, Université de Bourgogne
Classification: Pathogenic for Hemangiomatosis. Review status: criteria provided, single submitter. Criteria: ACMG Guidelines, 2015. Collection method: clinical testing. Allele origin: somatic. Affected: yes.

Equipe Genetique des Anomalies du Developpement, Université de Bourgogne
Classification: Pathogenic for Angioosteohypertrophic syndrome. Review status: criteria provided, single submitter. Criteria: ACMG Guidelines, 2015. Collection method: clinical testing. Allele origin: somatic. Affected: yes.

Dave Chen Lab, Washington University School of Medicine
Classification: Uncertain significance for Melanoma. Last evaluated: 2023-03-28. Review status: no assertion criteria provided. Collection method: research. Allele origin: somatic. Affected: yes. Not counted in ClinVar's aggregate classification.

OMIM
Classification: Pathogenic for STURGE-WEBER SYNDROME, SOMATIC, MOSAIC. Last evaluated: 2014-12-01. Review status: no assertion criteria provided. Collection method: literature only. Allele origin: somatic. Not counted in ClinVar's aggregate classification.

OMIM
Classification: Pathogenic for CAPILLARY MALFORMATIONS, CONGENITAL, 1, SOMATIC, MOSAIC. Last evaluated: 2014-12-01. Review status: no assertion criteria provided. Collection method: literature only. Allele origin: somatic. Not counted in ClinVar's aggregate classification.

Literature cited by the submitters: PubMed 24882516 (cited by Center for Genomic Medicine, Rigshospitalet, Copenhagen University Hospital); PubMed 23656586 (cited by Center for Genomic Medicine, Rigshospitalet, Copenhagen University Hospital and OMIM); PubMed 25188413 (cited by OMIM).